The following is an entry in ClinVar:

ClinVar aggregate classification (germline): Pathogenic (1 of 4 stars; one submission).

Conditions:
Intellectual disability, CASK-related, X-linked. Identifiers: MedGen CN043158.

Submission:

Labcorp Genetics (formerly Invitae), Labcorp
Classification: Pathogenic for Intellectual disability, CASK-related, X-linked. Last evaluated: 2022-11-01. Review status: criteria provided, single submitter. Criteria: Invitae Variant Classification Sherloc (09022015). Collection method: clinical testing. Allele origin: germline.
Comment: For these reasons, this variant has been classified as Pathogenic. A similar copy number variant has been observed in individual(s) with CASK-related conditions (PMID: 21954287). In at least one individual the variant was observed to be de novo. This variant is a gross deletion of the genomic region encompassing exon(s) 1-2 of the CASK gene, which includes the initiator codon. This deletion extends beyond the assayed region for this gene and therefore may encompass additional genes. It is expected to result in an absent or disrupted protein product. Loss-of-function variants in CASK are known to be pathogenic (PMID: 19165920, 20029458, 21954287, 22452838, 22709267).

Literature cited by the submitters: PubMed 21954287; PubMed 19165920; PubMed 20029458; PubMed 22452838; PubMed 22709267.

NC_000023.10:g.(?_41712348)_(41782241_?)del

Gene: CASK (calcium/calmodulin dependent serine protein kinase; minus strand). Cytogenetic location: Xp11.4.
Variant type: Deletion.
Identifiers: ClinVar variation 2424725 (VCV002424725.4).